The following is an entry in ClinVar:

NM_001127644.2(GABRA1):c.923C>A (p.Ala308Asp)

Gene: GABRA1 (gamma-aminobutyric acid type A receptor subunit alpha1; plus strand). Cytogenetic location: 5q34.
Variant type: single nucleotide variant.
Coding change: c.923C>A on transcript NM_001127644.2 (MANE Select); coding-DNA position 923, C replaced by A.
Protein change: p.Ala308Asp; replaces alanine 308 with aspartic acid.
Molecular consequence: missense variant.
Genome position (GRCh38, 1-based): chr5:161,895,732, C>A. VCF-style: chr5-161895732-C-A. GRCh37 (hg19) VCF-style: chr5-161322738-C-A.
Other names: c.923C>A, p.Ala308Asp (NM_000806.5, NM_001127643.2, NM_001127645.2 and 1 more transcripts); short protein forms A308D.
Identifiers: ClinVar variation 450400 (VCV000450400.7), dbSNP rs1554087620, ClinGen allele CA362180204.

ClinVar aggregate classification (germline): Conflicting classifications of pathogenicity. Review status: criteria provided, conflicting classifications (1 of 4 stars). 2 submissions from 2 submitters: Likely pathogenic (1); Uncertain significance (1). Last evaluated 2022-09-10.

Conditions:
Idiopathic generalized epilepsy. Also called: Generalised epilepsy; EIG. Identifiers: MedGen C0270850, MONDO:0005579, OMIM 600669.
Epilepsy, idiopathic generalized, susceptibility to, 13. Also called: EPILEPSY, JUVENILE MYOCLONIC, SUSCEPTIBILITY TO, 5. Identifiers: Orphanet 307, Orphanet 64280, MedGen C4013473, MONDO:0012627, OMIM 611136.
Epilepsy, childhood absence 4 (ECA4). Also called: EPILEPSY, CHILDHOOD ABSENCE, SUSCEPTIBILITY TO, 4. Identifiers: Orphanet 307, MedGen C1970160.

Submissions (2):

Labcorp Genetics (formerly Invitae), Labcorp
Classification: Uncertain significance for Epilepsy, childhood absence 4; Epilepsy, idiopathic generalized, susceptibility to, 13; Idiopathic generalized epilepsy. Last evaluated: 2022-09-10. Review status: criteria provided, single submitter. Criteria: Invitae Variant Classification Sherloc (09022015). Collection method: clinical testing. Allele origin: germline.
Comment: This variant is not present in population databases (gnomAD no frequency). In summary, the available evidence is currently insufficient to determine the role of this variant in disease. Therefore, it has been classified as a Variant of Uncertain Significance. Advanced modeling of protein sequence and biophysical properties (such as structural, functional, and spatial information, amino acid conservation, physicochemical variation, residue mobility, and thermodynamic stability) performed at Invitae indicates that this missense variant is expected to disrupt GABRA1 protein function. ClinVar contains an entry for this variant (Variation ID: 450400). This variant has not been reported in the literature in individuals affected with GABRA1-related conditions. This sequence change replaces alanine, which is neutral and non-polar, with aspartic acid, which is acidic and polar, at codon 308 of the GABRA1 protein (p.Ala308Asp).

GeneDx
Classification: Likely pathogenic. Last evaluated: 2017-07-17. Review status: criteria provided, single submitter. Criteria: GeneDx Variant Classification (06012015). Collection method: clinical testing. Allele origin: germline. Affected: yes.
Comment: A variant that is likely pathogenic has been identified in the GABRA1 gene. The A308D variant has not been published as a pathogenic variant, nor has it been reported as a benign variant to our knowledge. The A308D variant is not observed in large population cohorts (Lek et al., 2016; 1000 Genomes Consortium et al., 2015; Exome Variant Server). The A308D variant is a non-conservative amino acid substitution, which is likely to impact secondary protein structure as these residues differ in polarity, charge, size and/or other properties. This substitution occurs at a position that is conserved across species, and in silico analysis predicts this variant is probably damaging to the protein structure/function. Therefore, we interpret A308D as a likely pathogenic variant.